The following is an entry in ClinVar:

NM_133510.4(RAD51B):c.269T>C (p.Leu90Ser)

Gene: RAD51B (RAD51 paralog B; plus strand). Cytogenetic location: 14q24.1.
Variant type: single nucleotide variant.
Coding change: c.269T>C on transcript NM_133510.4 (MANE Select); coding-DNA position 269, T replaced by C.
Protein change: p.Leu90Ser; replaces leucine 90 with serine.
Molecular consequence: missense variant. On other transcripts: 5 prime UTR variant (1).
Genome position (GRCh38, 1-based): chr14:67,835,150, T>C. VCF-style: chr14-67835150-T-C. GRCh37 (hg19) VCF-style: chr14-68301867-T-C.
Other names: c.269T>C, p.Leu90Ser (NM_001321809.2, NM_001321810.2, NM_001321812.1 and 6 more transcripts); c.155T>C, p.Leu52Ser (NM_001321815.1); c.-187T>C (NM_001321817.2); short protein forms L90S, L52S.
Identifiers: ClinVar variation 3942335 (VCV003942335.1).
Genomic context (GRCh38, chr14:67,835,150, plus strand): 5'-TAAAAGCACAAAGGTCTGCTGATTTCTCACCAGCATTCTTATCTACTACCCTTTCTGCTT[T>C]GGACGAAGCCCTGCATGGTGGTGTGGCTTGTGGATCCCTCACAGAGGTAAAGGAAAAATT-3'
Protein context (NP_598194.1, residues 80-100): PAFLSTTLSA[Leu90Ser]DEALHGGVAC

ClinVar aggregate classification (germline): Uncertain significance (1 of 4 stars; one submission).

gnomAD v4.1: 1 of 1,614,162 alleles (0.000062%); highest among the groups gnomAD compares: Non-Finnish European, 0.000085%; no homozygotes.

Submission:

Ambry Genetics
Classification: Uncertain significance. Last evaluated: 2025-06-08. Review status: criteria provided, single submitter. Criteria: Ambry Variant Classification Scheme 2023. Collection method: clinical testing. Allele origin: germline.
Comment: The p.L90S variant (also known as c.269T>C), located in coding exon 3 of the RAD51B gene, results from a T to C substitution at nucleotide position 269. The leucine at codon 90 is replaced by serine, an amino acid with dissimilar properties. This amino acid position is conserved. In addition, this alteration is predicted to be deleterious by in silico analysis. Based on the available evidence, the clinical significance of this variant remains unclear.